The following is an entry in ClinVar:

NM_002496.4(NDUFS8):c.199+15T>G

Gene: NDUFS8 (NADH:ubiquinone oxidoreductase core subunit S8; plus strand). Cytogenetic location: 11q13.2.
Variant type: single nucleotide variant.
Coding change: c.199+15T>G on transcript NM_002496.4 (MANE Select); 15 bases into the intron after coding-DNA position 199, T replaced by G.
Molecular consequence: intron variant.
Genome position (GRCh38, 1-based): chr11:68,033,027, T>G. VCF-style: chr11-68033027-T-G. GRCh37 (hg19) VCF-style: chr11-67800494-T-G.
Identifiers: ClinVar variation 305765 (VCV000305765.23), dbSNP rs3115545, ClinGen allele CA6146400.

ClinVar aggregate classification (germline): Benign/Likely benign. Review status: criteria provided, multiple submitters, no conflicts (2 of 4 stars). 7 submissions from 6 submitters: Benign (6); Likely benign (1). Last evaluated 2026-02-03.

Conditions:
Leigh syndrome (NULS). Also called: Leigh's syndrome; Subacute necrotizing encephalopathy; Necrotizing encephalopathy infantile subacute of Leigh; LEIGH SYNDROME, NUCLEAR; Leigh's necrotizing encephalopathy; Leigh's disease. Identifiers: Orphanet 506, MedGen C2931891, MONDO:0009723, OMIM 256000.
Mitochondrial complex I deficiency, nuclear type 1. Also called: NADH-COENZYME Q REDUCTASE DEFICIENCY; MITOCHONDRIAL NADH DEHYDROGENASE COMPONENT OF COMPLEX I, DEFICIENCY OF. Identifiers: MedGen C6022305, MONDO:0100224, OMIM 252010.
Mitochondrial complex I deficiency, nuclear type 2. Also called: Mitochondrial complex 1 deficiency, nuclear type 2. Identifiers: MedGen C4748737, MONDO:0032606, OMIM 618222.

Allele frequency attached by ClinVar (database versions not stated): 1000 Genomes Project 30x 0.96533; 1000 Genomes Project 0.96865; TOPMed 0.97466; ESP Exome Variant Server 0.97490.
gnomAD v4.1: 1,606,070 of 1,613,682 alleles (100%); highest among the groups gnomAD compares: East Asian, 100%; 799,550 homozygotes.

Submissions (7):

Labcorp Genetics (formerly Invitae), Labcorp
Classification: Benign. Last evaluated: 2026-02-03. Review status: criteria provided, single submitter. Criteria: Invitae Variant Classification Sherloc (09022015). Collection method: clinical testing. Allele origin: germline.

Blueprint Genetics
Classification: Likely benign. Last evaluated: 2024-11-27. Review status: criteria provided, single submitter. Criteria: ACMG Guidelines, 2015. Collection method: clinical testing. Allele origin: germline.

Genome-Nilou Lab
Classification: Benign for Mitochondrial complex I deficiency, nuclear type 2. Last evaluated: 2021-09-05. Review status: criteria provided, single submitter. Criteria: ACMG Guidelines, 2015. Collection method: clinical testing. Allele origin: germline. Affected: no.

Illumina Laboratory Services, Illumina
Classification: Benign for Mitochondrial complex I deficiency, nuclear type 1. Last evaluated: 2018-01-13. Review status: criteria provided, single submitter. Criteria: ICSL Variant Classification Criteria 13 December 2019. Collection method: clinical testing. Allele origin: germline.
Comment: This variant was observed in the ICSL laboratory as part of a predisposition screen in an ostensibly healthy population. It had not been previously curated by ICSL or reported in the Human Gene Mutation Database (HGMD: prior to June 1st, 2018), and was therefore a candidate for classification through an automated scoring system. Utilizing variant allele frequency, disease prevalence and penetrance estimates, and inheritance mode, an automated score was calculated to assess if this variant is too frequent to cause the disease. Based on the score and internal cut-off values, a variant classified as benign is not then subjected to further curation. The score for this variant resulted in a classification of benign for this disease.

Illumina Laboratory Services, Illumina
Classification: Benign for Leigh syndrome. Last evaluated: 2018-01-13. Review status: criteria provided, single submitter. Criteria: ICSL Variant Classification Criteria 13 December 2019. Collection method: clinical testing. Allele origin: germline.
Comment: the same text as in the submission from Illumina Laboratory Services, Illumina above.

GeneDx
Classification: Benign. Last evaluated: 2015-03-03. Review status: criteria provided, single submitter. Criteria: GeneDx Variant Classification Process June 2021. Collection method: clinical testing. Allele origin: germline. Affected: yes.

Breakthrough Genomics
Classification: Benign. Review status: criteria provided, single submitter. Criteria: ACMG Guidelines, 2015. Collection method: not provided. Allele origin: germline. Inheritance: Autosomal recessive inheritance. Affected: yes.